The following continues an entry in ClinVar:

NM_000169.3(GLA):c.124A>C (p.Met42Leu)

ClinVar aggregate classification (germline): Conflicting classifications of pathogenicity. Pathogenic (4); Likely pathogenic (5); Uncertain significance (1).

Submissions 9 to 11 of 11:

Blueprint Genetics
Classification: Uncertain significance. Last evaluated: 2018-12-20. Review status: criteria provided, single submitter. Criteria: ACMG Guidelines, 2015. Collection method: clinical testing. Allele origin: germline.

Eurofins Ntd Llc (ga)
Classification: Pathogenic. Last evaluated: 2017-06-26. Review status: criteria provided, single submitter. Criteria: EGL Classification Definitions. Collection method: clinical testing. Allele origin: germline. Observed: 10 variant alleles, 5 heterozygotes, 5 hemizygotes.

Clinical Genomics Laboratory, Stanford Medicine
Classification: Pathogenic for Fabry disease. Last evaluated: 2019-12-18. Review status: no assertion criteria provided. Collection method: clinical testing. Allele origin: germline. Inheritance: X-linked inheritance. Affected: yes. Not counted in ClinVar's aggregate classification.
Comment: The p.Met42Leu variant in the GLA gene has been previously reported in two unrelated males with Fabry disease (Rosenthal et al., 2004; Shabbeer, Robinson & Desnick, 2005). Alpha-galactosidase A enzyme activity was tested and reported low in one of the published individuals. This variant was absent from large population databases, including the Genome Aggregation Database. Wellestablished in vitro functional studies of p.Met42Leu variant strongly suggest a deleterious effect to the protein that is sufficient to be disease-causing (Benjamin et al., 2017; Oommen et al., 2019). Additionally, multiple different amino acid changes, p.Met42Ile, p.Met42Thr, and p.Met42Val, have been previously reported as disease-causing at this residue, which suggests another change at this residue, such as p.Met42Leu, may similarly disrupt protein function. The p.Met42Leu variant is located in a region where other pathogenic and likely pathogenic variants have been described without benign variation. Pathogenic and likely pathogenic variants have been described in this region and disrupt the function of GLA, resulting in reduced or absent alpha-galactosidase A enzyme activity. These data were assessed using the ACMG/AMP variant interpretation guidelines. In summary, there is sufficient evidence to classify the p.Met42Leu variant as pathogenic for X-linked Fabry disease based on the information above. [ACMG evidence codes used: PS3; PM1; PM2; PM5; PP4]

Literature cited by the submitters: PubMed 15712228 (cited by 5 submitters); PubMed 30611458 (cited by Genomenon, Inc and Women's Health and Genetics/Laboratory Corporation of America, LabCorp); PubMed 15492942 (cited by 6 submitters); PubMed 38937656 (cited by Genomenon, Inc and Women's Health and Genetics/Laboratory Corporation of America, LabCorp); PubMed 32802993 (cited by 3 submitters); PubMed 27657681 (cited by 5 submitters); PubMed 25382311 (cited by Women's Health and Genetics/Laboratory Corporation of America, LabCorp); PubMed 31036492 (cited by 3 submitters); PubMed 35653365 (cited by Ambry Genetics); PubMed 8875188 (cited by Labcorp Genetics (formerly Invitae), Labcorp); PubMed 12175777 (cited by Labcorp Genetics (formerly Invitae), Labcorp); PubMed 18205205 (cited by Labcorp Genetics (formerly Invitae), Labcorp); PubMed 23935525 (cited by Labcorp Genetics (formerly Invitae), Labcorp); PubMed 26415523 (cited by Labcorp Genetics (formerly Invitae), Labcorp); PubMed 27560961 (cited by Labcorp Genetics (formerly Invitae), Labcorp); http//DOI 10.16966/2380-5498.124 (cited by Labcorp Genetics (formerly Invitae), Labcorp).